The following is an entry in ClinVar:

ClinVar aggregate classification (germline): Pathogenic (1 of 4 stars; one submission).

Conditions:
Rubinstein-Taybi syndrome (RSTS). Identifiers: Orphanet 783, MedGen C0035934, MONDO:0019188.

Submission:

Labcorp Genetics (formerly Invitae), Labcorp
Classification: Pathogenic for Rubinstein-Taybi syndrome. Last evaluated: 2019-07-26. Review status: criteria provided, single submitter. Criteria: Invitae Variant Classification Sherloc (09022015). Collection method: clinical testing. Allele origin: germline.
Comment: This sequence change creates a premature translational stop signal (p.Gly463Glufs*7) in the CREBBP gene. It is expected to result in an absent or disrupted protein product. This variant is not present in population databases (ExAC no frequency). This variant has not been reported in the literature in individuals with CREBBP-related conditions. Loss-of-function variants in CREBBP are known to be pathogenic (PMID: 17052327, 18792986). For these reasons, this variant has been classified as Pathogenic.

Literature cited by the submitters: PubMed 17052327; PubMed 18792986.

NM_004380.3(CREBBP):c.1388_1395del (p.Gly463fs)

Gene: CREBBP (CREB binding lysine acetyltransferase; minus strand). Cytogenetic location: 16p13.3.
Variant type: Deletion.
Coding change: c.1388_1395del on transcript NM_004380.3 (MANE Select); coding-DNA positions 1388 to 1395, 8 bases deleted (GGCAACAG; older notation c.1388_1395delGGCAACAG).
Protein change: p.Gly463fs; shifts the reading frame from glycine 463.
Molecular consequence: frameshift variant.
Genome position (GRCh38, 1-based): chr16:3,782,862-3,782,869, CTGTTGCC deleted on the plus strand (GGCAACAG on the coding strand, the reverse complement: CREBBP is on the minus strand); deleting any 8 consecutive bases within chr16:3,782,862-3,782,873 gives the same sequence; the c. name uses the placement nearest the transcript's 3' end. VCF-style (leftmost placement, unchanged base first): chr16-3782861-TCTGTTGCC-T. GRCh37 (hg19) VCF-style: chr16-3832862-TCTGTTGCC-T.
Other names: c.1274_1281del, p.Gly425fs (NM_001079846.1); short protein forms G425fs, G463fs.
Identifiers: ClinVar variation 959962 (VCV000959962.3), dbSNP rs2053305017, ClinGen allele CA1139664459.
Genomic context (GRCh38, chr16:3,782,861, plus strand): 5'-CATAGGCTCGCTGCATGGAGCTGGGGTCTATGGGATTTGGGTTACTTAAAGAAGTGGCAT[TCTGTTGCC>T]CTGTGCCAACAGAACCAATTGTGTTTTGAATTCCACTAGCTGGAGACCCCAGGATGGCTA-3'